The following is an entry in ClinVar:

ClinVar aggregate classification (germline): Conflicting classifications of pathogenicity. Review status: criteria provided, conflicting classifications (1 of 4 stars). 8 submissions from 8 submitters: Uncertain significance (5); Likely benign (1). 2 of the submissions do not count toward it. Last evaluated 2026-01-26.

Conditions:
Tall stature-scoliosis-macrodactyly of the great toes syndrome. Also called: Epiphyseal chondrodysplasia, miura type. Identifiers: Orphanet 329191, MedGen C4014690, MONDO:0014401, OMIM 615923.
Acromesomelic dysplasia 1, Maroteaux type (AMD1). Also called: ST. HELENA DYSPLASIA; ACROMESOMELIC DYSPLASIA 1. Identifiers: Orphanet 40, MedGen C1864356, MONDO:0011275, OMIM 602875.
Short stature with nonspecific skeletal abnormalities. Identifiers: MedGen C4225399, MONDO:0975810.
NPR2-related disorder. Also called: NPR2-related condition; NPR2-related disorders.
Inborn genetic diseases. Identifiers: MedGen C0950123, MeSH D030342.

Allele frequency attached by ClinVar (database versions not stated): gnomAD exomes 0.00004; ExAC 0.00006; TOPMed 0.00006; gnomAD 0.00011 and 0.00013.
gnomAD v4.1: 95 of 1,614,230 alleles (0.0059%); highest among the groups gnomAD compares: Admixed American, 0.03%; 2 homozygotes.

Submissions (8):

Labcorp Genetics (formerly Invitae), Labcorp
Classification: Uncertain significance for Tall stature-scoliosis-macrodactyly of the great toes syndrome; Acromesomelic dysplasia 1, Maroteaux type. Last evaluated: 2026-01-26. Review status: criteria provided, single submitter. Criteria: Invitae Variant Classification Sherloc (09022015). Collection method: clinical testing. Allele origin: germline.
Comment: This sequence change replaces asparagine, which is neutral and polar, with serine, which is neutral and polar, at codon 277 of the NPR2 protein (p.Asn277Ser). This variant is present in population databases (rs770531192, gnomAD 0.006%). This variant has not been reported in the literature in individuals affected with NPR2-related conditions. ClinVar contains an entry for this variant (Variation ID: 521609). An algorithm developed to predict the effect of missense changes on protein structure and function (PolyPhen-2) suggests that this variant is likely to be tolerated. In summary, the available evidence is currently insufficient to determine the role of this variant in disease. Therefore, it has been classified as a Variant of Uncertain Significance.

PreventionGenetics, part of Exact Sciences
Classification: Likely benign for NPR2-related condition. Last evaluated: 2025-01-29. Review status: criteria provided, single submitter. Criteria: ACMG Guidelines, 2015. Collection method: clinical testing. Allele origin: germline.
Comment: This variant is classified as likely benign based on ACMG/AMP sequence variant interpretation guidelines (Richards et al. 2015 PMID: 25741868, with internal and published modifications).

Blueprint Genetics
Classification: Uncertain significance. Last evaluated: 2024-10-23. Review status: criteria provided, single submitter. Criteria: ACMG Guidelines, 2015. Collection method: clinical testing. Allele origin: germline.

Fulgent Genetics
Classification: Uncertain significance for Acromesomelic dysplasia 1, Maroteaux type; Tall stature-scoliosis-macrodactyly of the great toes syndrome; Short stature with nonspecific skeletal abnormalities 1. Last evaluated: 2021-11-11. Review status: criteria provided, single submitter. Criteria: ACMG Guidelines, 2015. Collection method: clinical testing. Allele origin: unknown.

Illumina Laboratory Services, Illumina
Classification: Uncertain significance for Acromesomelic dysplasia 1, Maroteaux type. Last evaluated: 2018-01-13. Review status: criteria provided, single submitter. Criteria: ICSL Variant Classification Criteria 13 December 2019. Collection method: clinical testing. Allele origin: germline.

Ambry Genetics
Classification: Uncertain significance for Inborn genetic diseases. Last evaluated: 2018-01-10. Review status: criteria provided, single submitter. Criteria: Ambry exome assertion method (8-5-2015). Collection method: clinical testing. Allele origin: germline. Affected: yes. Observed: 1 variant allele.

Genome Diagnostics Laboratory, Amsterdam University Medical Center
Classification: Uncertain significance. Review status: no assertion criteria provided. Collection method: clinical testing. Allele origin: germline. Affected: yes. Study: VKGL Data-share Consensus. Not counted in ClinVar's aggregate classification.

Laboratory of Diagnostic Genome Analysis, Leiden University Medical Center (LUMC)
Classification: Uncertain significance. Review status: no assertion criteria provided. Collection method: clinical testing. Allele origin: germline. Affected: yes. Study: VKGL Data-share Consensus. Not counted in ClinVar's aggregate classification.

NM_003995.4(NPR2):c.830A>G (p.Asn277Ser)

Gene: NPR2 (natriuretic peptide receptor 2; plus strand). Cytogenetic location: 9p13.3.
Variant type: single nucleotide variant.
Coding change: c.830A>G on transcript NM_003995.4 (MANE Select); coding-DNA position 830, A replaced by G.
Protein change: p.Asn277Ser; replaces asparagine 277 with serine.
Molecular consequence: missense variant.
Genome position (GRCh38, 1-based): chr9:35,794,060, A>G. VCF-style: chr9-35794060-A-G. GRCh37 (hg19) VCF-style: chr9-35794057-A-G.
Other names: c.830A>G, p.Asn277Ser (NM_001378923.1); short protein forms N277S.
Identifiers: ClinVar variation 521609 (VCV000521609.20), dbSNP rs770531192, ClinGen allele CA5051522.